The following is an entry in ClinVar:

NM_000059.4(BRCA2):c.2604T>C (p.Thr868=)

Gene: BRCA2 (BRCA2 DNA repair associated; plus strand). Cytogenetic location: 13q13.1.
Variant type: single nucleotide variant.
Coding change: c.2604T>C on transcript NM_000059.4 (MANE Select); coding-DNA position 2604, T replaced by C.
Protein change: p.Thr868=; no amino-acid change (threonine 868 retained).
Molecular consequence: synonymous variant.
Genome position (GRCh38, 1-based): chr13:32,336,959, T>C. VCF-style: chr13-32336959-T-C. GRCh37 (hg19) VCF-style: chr13-32911096-T-C.
Identifiers: ClinVar variation 433770 (VCV000433770.20), dbSNP rs1428997179, ClinGen allele CA483437318.

ClinVar aggregate classification (germline): Likely benign. Review status: criteria provided, multiple submitters, no conflicts (2 of 4 stars). 6 submissions from 6 submitters: Likely benign (5). 1 of the submissions does not count toward it. Last evaluated 2024-04-16.

Conditions:
Breast-ovarian cancer, familial, susceptibility to, 2 (BROVCA2). Also called: BRCA2 Hereditary Breast and Ovarian Cancer. Identifiers: Orphanet 145, MedGen C2675520, MONDO:0012933, OMIM 612555. Disease mechanism: loss of function.
Malignant tumor of breast. Also called: Malignant breast neoplasm; Cancer breast. Identifiers: MedGen C0006142, MONDO:0007254. Disease mechanism: loss of function.
Hereditary cancer-predisposing syndrome. Also called: Hereditary neoplastic syndrome; Tumor predisposition; Neoplastic Syndromes, Hereditary; Hereditary Cancer Syndrome. Identifiers: Orphanet 140162, MedGen C0027672, MeSH D009386, MONDO:0015356.
Hereditary breast ovarian cancer syndrome. Also called: BRCA1- and BRCA2-Associated Hereditary Breast and Ovarian Cancer; Hereditary breast and/or ovarian cancer syndrome; Hereditary breast and ovarian cancer; Hereditary breast and ovarian cancer syndrome; Hereditary breast and ovarian cancer syndrome (HBOC); Breast and ovarian cancer. Identifiers: Orphanet 145, MedGen C0677776, MeSH D061325, MONDO:0003582. Disease mechanism: loss of function.

Allele frequency attached by ClinVar (database versions not stated): gnomAD exomes below 0.00001; TOPMed below 0.00001.
gnomAD v4.1: 4 of 1,584,258 alleles (0.00025%); highest among the groups gnomAD compares: Non-Finnish European, 0.00034%; no homozygotes.

Submissions (6):

Labcorp Genetics (formerly Invitae), Labcorp
Classification: Likely benign for Hereditary breast ovarian cancer syndrome. Last evaluated: 2024-04-16. Review status: criteria provided, single submitter. Criteria: Invitae Variant Classification Sherloc (09022015). Collection method: clinical testing. Allele origin: germline.

All of Us Research Program, National Institutes of Health
Classification: Likely benign for Breast-ovarian cancer, familial, susceptibility to, 2. Last evaluated: 2023-09-04. Review status: criteria provided, single submitter. Criteria: ACMG Guidelines, 2015. Collection method: clinical testing. Allele origin: germline. Inheritance: Autosomal dominant inheritance. Observed: 1 variant allele, 1 heterozygote.
Comment: This study involves interpretation of variants in research participants for the purpose of population health screening. Participant phenotype was not available at the time of variant classification. Additional details can be found in publication PMID: 35346344, PMCID: PMC8962531

Quest Diagnostics Nichols Institute San Juan Capistrano
Classification: Likely benign. Last evaluated: 2023-05-19. Review status: criteria provided, single submitter. Criteria: Quest Diagnostics criteria. Collection method: clinical testing. Allele origin: unknown.

Ambry Genetics
Classification: Likely benign for Hereditary cancer-predisposing syndrome. Last evaluated: 2019-08-07. Review status: criteria provided, single submitter. Criteria: Ambry Variant Classification Scheme 2023. Collection method: clinical testing. Allele origin: germline.

Color Diagnostics, LLC DBA Color Health
Classification: Likely benign for Hereditary cancer-predisposing syndrome. Last evaluated: 2018-07-03. Review status: criteria provided, single submitter. Criteria: ACMG Guidelines, 2015. Collection method: clinical testing. Allele origin: germline.

Department of Pathology and Laboratory Medicine, Sinai Health System
Classification: Likely benign for Malignant tumor of breast. Review status: no assertion criteria provided. Collection method: clinical testing. Allele origin: unknown. Affected: yes. Study: The Canadian Open Genetics Repository (COGR). Not counted in ClinVar's aggregate classification.
Comment: The p.Thr868Thr variant was not identified in the literature nor was it identified in the dbSNP, NHLBI Exome Sequencing Project (Exome Variant Server), the Exome Aggregation Consortium (ExAC), HGMD, LOVD, COSMIC, UMD, ClinVar, or BIC databases. The p.Thr868Thr variant is not expected to have clinical significance because it does not result in a change of amino acid and is not located in a known consensus splice site. In addition, in silico or computational prediction software programs (SpliceSiteFinder, MaxEntScan, NNSPLICE, GeneSplicer, HumanSpliceFinder) do not predict a difference in splicing. In summary, based on the above information, the clinical significance of this variant cannot be determined with certainty at this time although we would lean towards a more benign role for this variant. This variant is classified as predicted benign.